The following is an entry in ClinVar:

NM_001165963.4(SCN1A):c.5099G>A (p.Gly1700Glu)

Genes: SCN1A (sodium voltage-gated channel alpha subunit 1; minus strand), LOC102724058 (uncharacterized LOC102724058; plus strand). Cytogenetic location: 2q24.3.
Variant type: single nucleotide variant.
Coding change: c.5099G>A on transcript NM_001165963.4 (MANE Select); coding-DNA position 5099, G replaced by A.
Protein change: p.Gly1700Glu; replaces glycine 1700 with glutamic acid.
Molecular consequence: missense variant. On other transcripts: non-coding transcript variant (1).
Genome position (GRCh38, 1-based): chr2:165,992,176, C>T on the plus strand (G>A on the coding strand, the complement: SCN1A is on the minus strand). VCF-style: chr2-165992176-C-T. GRCh37 (hg19) VCF-style: chr2-166848686-C-T.
Other names: c.5015G>A, p.Gly1672Glu (NM_001165964.3, NM_001353957.2, NM_001353958.2); c.5099G>A, p.Gly1700Glu (NM_001202435.3, NM_001353948.2); c.5066G>A, p.Gly1689Glu (NM_001353949.2, NM_001353950.2, NM_001353951.2 and 2 more transcripts); c.5063G>A, p.Gly1688Glu (NM_001353954.2, NM_001353955.2); c.5012G>A, p.Gly1671Glu (NM_001353960.2); c.2657G>A, p.Gly886Glu (NM_001353961.2); short protein forms G1688E, G886E, G1672E, G1689E, G1700E, G1671E.
Identifiers: ClinVar variation 934463 (VCV000934463.10), dbSNP rs1689305230, ClinGen allele CA349069220.

ClinVar aggregate classification (germline): Uncertain significance (1 of 4 stars; one submission).

Conditions:
Early-infantile DEE. Also called: Early infantile epileptic encephalopathy; Early infantile epileptic encephalopathy with suppression bursts; Ohtahara syndrome. Identifiers: Orphanet 1934, MedGen C0393706, MONDO:0800491.

Submission:

Labcorp Genetics (formerly Invitae), Labcorp
Classification: Uncertain significance for Early-infantile DEE. Last evaluated: 2019-10-11. Review status: criteria provided, single submitter. Criteria: Invitae Variant Classification Sherloc (09022015). Collection method: clinical testing. Allele origin: germline.
Comment: This sequence change replaces glycine with glutamic acid at codon 1700 of the SCN1A protein (p.Gly1700Glu). The glycine residue is highly conserved and there is a moderate physicochemical difference between glycine and glutamic acid. This variant is not present in population databases (ExAC no frequency). This variant has not been reported in the literature in individuals with SCN1A-related conditions. Algorithms developed to predict the effect of missense changes on protein structure and function (SIFT, PolyPhen-2, Align-GVGD) all suggest that this variant is likely to be disruptive, but these predictions have not been confirmed by published functional studies and their clinical significance is uncertain. In summary, the available evidence is currently insufficient to determine the role of this variant in disease. Therefore, it has been classified as a Variant of Uncertain Significance.